The following is an entry in ClinVar:

NM_001354604.2(MITF):c.1220T>G (p.Ile407Ser)

Gene: MITF (melanocyte inducing transcription factor; plus strand). Cytogenetic location: 3p13.
Variant type: single nucleotide variant.
Coding change: c.1220T>G on transcript NM_001354604.2 (MANE Select); coding-DNA position 1220, T replaced by G.
Protein change: p.Ile407Ser; replaces isoleucine 407 with serine.
Molecular consequence: missense variant.
Genome position (GRCh38, 1-based): chr3:69,964,887, T>G. VCF-style: chr3-69964887-T-G. GRCh37 (hg19) VCF-style: chr3-70014038-T-G.
Other names: c.899T>G, p.Ile300Ser (NM_000248.4); c.1046T>G, p.Ile349Ser (NM_001184967.2, NM_001354608.2); c.1217T>G, p.Ile406Ser (NM_001354605.2); c.1199T>G, p.Ile400Ser (NM_001354606.2, NM_006722.3); c.1151T>G, p.Ile384Ser (NM_001354607.2); c.881T>G, p.Ile294Ser (NM_198158.3); c.1202T>G, p.Ile401Ser (NM_198159.3); c.1154T>G, p.Ile385Ser (NM_198177.3); and 1 more; short protein forms I238S, I294S, I300S, I349S, I384S, I385S, I400S, I401S.
Identifiers: ClinVar variation 3755480 (VCV003755480.2).

ClinVar aggregate classification (germline): Uncertain significance (1 of 4 stars; one submission).

Conditions:
Tietz syndrome (TADS). Also called: HYPOPIGMENTATION/DEAFNESS OF TIETZ; TIETZ ALBINISM-DEAFNESS SYNDROME; ALBINISM-DEAFNESS OF TIETZ. Identifiers: Orphanet 42665, MedGen C0391816, MONDO:0007077, OMIM 103500.
Waardenburg syndrome type 2A (WS2A). Also called: WAARDENBURG SYNDROME WITHOUT DYSTOPIA CANTHORUM. Identifiers: Orphanet 3440, MedGen C1860339, MONDO:0008671, OMIM 193510.
Melanoma, cutaneous malignant, susceptibility to, 8. Also called: MELANOMA AND RENAL CELL CARCINOMA, SUSCEPTIBILITY TO; Cutaneous malignant melanoma 8. Identifiers: Orphanet 293822, MedGen C3152204, MONDO:0013759, OMIM 614456.

Submission:

Labcorp Genetics (formerly Invitae), Labcorp
Classification: Uncertain significance for Melanoma, cutaneous malignant, susceptibility to, 8; Waardenburg syndrome type 2A; Tietz syndrome. Last evaluated: 2024-03-23. Review status: criteria provided, single submitter. Criteria: Invitae Variant Classification Sherloc (09022015). Collection method: clinical testing. Allele origin: germline.
Comment: This sequence change replaces isoleucine, which is neutral and non-polar, with serine, which is neutral and polar, at codon 300 of the MITF protein (p.Ile300Ser). This variant is not present in population databases (gnomAD no frequency). This variant has not been reported in the literature in individuals affected with MITF-related conditions. Advanced modeling of protein sequence and biophysical properties (such as structural, functional, and spatial information, amino acid conservation, physicochemical variation, residue mobility, and thermodynamic stability) performed at Invitae indicates that this missense variant is not expected to disrupt MITF protein function with a negative predictive value of 80%. In summary, the available evidence is currently insufficient to determine the role of this variant in disease. Therefore, it has been classified as a Variant of Uncertain Significance.